The following is an entry in ClinVar:

ClinVar aggregate classification (germline): Likely benign (1 of 4 stars; one submission).

Conditions:
Neuroblastoma, susceptibility to, 3. Also called: ALK-Related Neuroblastic Tumor Susceptibility. Identifiers: Orphanet 635, MedGen C2751681, MONDO:0013083, OMIM 613014.

Allele frequency attached by ClinVar (database versions not stated): gnomAD exomes 0.00040; 1000 Genomes Project 0.00140; 1000 Genomes Project 30x 0.00172; gnomAD 0.00177 and 0.00190; TOPMed 0.00206.
gnomAD v4.1: 300 of 233,398 alleles (0.13%); highest among the groups gnomAD compares: African/African-American, 0.62%; no homozygotes.

Submission:

Illumina Laboratory Services, Illumina
Classification: Likely benign for Neuroblastoma, susceptibility to, 3. Last evaluated: 2018-01-13. Review status: criteria provided, single submitter. Criteria: ICSL Variant Classification Criteria 13 December 2019. Collection method: clinical testing. Allele origin: germline.
Comment: This variant was observed in the ICSL laboratory as part of a predisposition screen in an ostensibly healthy population. It had not been previously curated by ICSL or reported in the Human Gene Mutation Database (HGMD: prior to June 1st, 2018), and was therefore a candidate for classification through an automated scoring system. Utilizing variant allele frequency, disease prevalence and penetrance estimates, and inheritance mode, an automated score was calculated to assess if this variant is too frequent to cause the disease. Based on the score and internal cut-off values, a variant classified as likely benign is not then subjected to further curation. The score for this variant resulted in a classification of likely benign for this disease.

NM_004304.5(ALK):c.-619G>A

Gene: ALK (ALK receptor tyrosine kinase; minus strand). Cytogenetic location: 2p23.1.
Variant type: single nucleotide variant.
Coding change: c.-619G>A on transcript NM_004304.5 (MANE Select); 619 bases upstream of the start codon, G replaced by A.
Molecular consequence: 5 prime UTR variant.
Genome position (GRCh38, 1-based): chr2:29,921,278, C>T on the plus strand (G>A on the coding strand, the complement: ALK is on the minus strand). VCF-style: chr2-29921278-C-T. GRCh37 (hg19) VCF-style: chr2-30144144-C-T.
Identifiers: ClinVar variation 898361 (VCV000898361.4), dbSNP rs138384829, ClinGen allele CA45004886.